The following is an entry in ClinVar:

ClinVar aggregate classification (germline): Uncertain significance (1 of 4 stars; one submission).

Submission:

Labcorp Genetics (formerly Invitae), Labcorp
Classification: Uncertain significance. Last evaluated: 2026-01-18. Review status: criteria provided, single submitter. Criteria: Invitae Variant Classification Sherloc (09022015). Collection method: clinical testing. Allele origin: germline.
Comment: This sequence change replaces serine, which is neutral and polar, with phenylalanine, which is neutral and non-polar, at codon 116 of the MBTPS2 protein (p.Ser116Phe). The frequency data for this variant in the population databases is considered unreliable, as metrics indicate poor data quality at this position in the gnomAD database. This variant has not been reported in the literature in individuals affected with MBTPS2-related conditions. Invitae Evidence Modeling of protein sequence and biophysical properties (such as structural, functional, and spatial information, amino acid conservation, physicochemical variation, residue mobility, and thermodynamic stability) has been performed for this missense variant. However, the output from this modeling did not meet the statistical confidence thresholds required to predict the impact of this variant on MBTPS2 protein function. In summary, the available evidence is currently insufficient to determine the role of this variant in disease. Therefore, it has been classified as a Variant of Uncertain Significance.

NM_015884.4(MBTPS2):c.347C>T (p.Ser116Phe)

Gene: MBTPS2 (membrane bound transcription factor peptidase, site 2; plus strand). Cytogenetic location: Xp22.12.
Variant type: single nucleotide variant.
Coding change: c.347C>T on transcript NM_015884.4 (MANE Select); coding-DNA position 347, C replaced by T.
Protein change: p.Ser116Phe; replaces serine 116 with phenylalanine.
Molecular consequence: missense variant.
Genome position (GRCh38, 1-based): chrX:21,845,293, C>T. VCF-style: chrX-21845293-C-T. GRCh37 (hg19) VCF-style: chrX-21863411-C-T.
Other names: short protein forms S116F.
Identifiers: ClinVar variation 4750353 (VCV004750353.1).